The following is an entry in ClinVar:

NM_032383.5(HPS3):c.578_579delinsACTGTCTCTTATACACATC (p.Phe193fs)

Gene: HPS3 (HPS3 biogenesis of lysosomal organelles complex 2 subunit 1; plus strand). Cytogenetic location: 3q24.
Variant type: Indel.
Coding change: c.578_579delinsACTGTCTCTTATACACATC on transcript NM_032383.5 (MANE Select); coding-DNA positions 578 to 579, TT replaced by ACTGTCTCTTATACACATC.
Protein change: p.Phe193fs; shifts the reading frame from phenylalanine 193.
Molecular consequence: frameshift variant. On other transcripts: intron variant (1).
Genome position (GRCh38, 1-based): chr3:149,140,364-149,140,365, TT replaced by ACTGTCTCTTATACACATC. VCF-style: chr3-149140364-TT-ACTGTCTCTTATACACATC. GRCh37 (hg19) VCF-style: chr3-148858151-TT-ACTGTCTCTTATACACATC.
Other names: c.218-653_218-652delinsACTGTCTCTTATACACATC (NM_001308258.2); short protein forms F193fs.
Identifiers: ClinVar variation 5016435 (VCV005016435.1).

ClinVar aggregate classification (germline): Pathogenic (1 of 4 stars; one submission).

Conditions:
Hermansky-Pudlak syndrome 3 (HPS3). Identifiers: Orphanet 231512, Orphanet 79430, MedGen C3888001, MONDO:0013555, OMIM 614072.

Submission:

Myriad Genetics, Inc.
Classification: Pathogenic for Hermansky-Pudlak syndrome 3. Last evaluated: 2024-05-14. Review status: criteria provided, single submitter. Criteria: Myriad Autosomal Dominant, Autosomal Recessive and X-Linked Classification Criteria (2023). Collection method: clinical testing. Allele origin: unknown.
Comment: NM_032383.3(HPS3):c.578_579del2ins19(F193Yfs*18) is expected to be pathogenic in the context of Hermansky-Pudlak syndrome, HPS3-related. This variant is predicted to lead to an abnormal or absent protein product due to the creation of a premature termination codon in HPS3, a gene where loss-of-function variants are known to be pathogenic. Please note: this variant was assessed in the context of healthy population screening.